The following is an entry in ClinVar:

ClinVar aggregate classification (germline): Benign (1 of 4 stars; one submission).

Submission:

ISCA site 4
Classification: Benign. Last evaluated: 2011-08-12. Review status: criteria provided, single submitter. Criteria: Kaminsky et al. (Genet Med. 2011). Collection method: clinical testing. Allele origin: unknown. Affected: yes. Observed: 1 variant allele.
Comment: Copy number variation identified through the course of routine clinical cytogenomic testing in postnatal populations. Clinical assertions have been curated as described in Kaminsky et al. 2011.

GRCh38/hg38 2p12-11.2(chr2:81818969-83448173)x3

Genes: LOC102724542 (uncharacterized LOC102724542; plus strand), LOC112841601 (Sharpr-MPRA regulatory region 13516; plus strand), LOC126806258 (P300/CBP strongly-dependent group 1 enhancer GRCh37_chr2:83330702-83331901; plus strand), LOC129388880 (MPRA-validated peak3756 silencer; plus strand), LOC129388881 (MPRA-validated peak3758 silencer; plus strand) and 2 more. Cytogenetic location: 2p12-11.2.
Variant type: copy number gain.
Change: copy number 3 (three copies instead of two) of chr2:81,818,969-83,448,173 (1.63 Mb, GRCh38 coordinates, 1-based), cytogenetic band 2p12-11.2.
Identifiers: ClinVar variation 57385 (VCV000057385.1).